The following is an entry in ClinVar:

ClinVar aggregate classification (germline): Uncertain significance. Review status: criteria provided, multiple submitters, no conflicts (2 of 4 stars). 3 submissions from 3 submitters: Uncertain significance (3). Last evaluated 2024-04-07.

Conditions:
Familial thoracic aortic aneurysm and aortic dissection (TAAD). Also called: Thoracic aortic aneurysms and dissections. Identifiers: Orphanet 91387, MedGen C4707243, MONDO:0019625.

Allele frequency attached by ClinVar (database versions not stated): gnomAD exomes below 0.00001; TOPMed below 0.00001.
gnomAD v4.1: 9 of 1,614,196 alleles (0.00056%); highest among the groups gnomAD compares: South Asian, 0.0022%; no homozygotes.

Submissions (3):

Ambry Genetics
Classification: Uncertain significance for Familial thoracic aortic aneurysm and aortic dissection. Last evaluated: 2024-04-07. Review status: criteria provided, single submitter. Criteria: Ambry Variant Classification Scheme 2023. Collection method: clinical testing. Allele origin: germline.
Comment: The p.E1803K variant (also known as c.5407G>A), located in coding exon 37 of the MYH11 gene, results from a G to A substitution at nucleotide position 5407. The glutamic acid at codon 1803 is replaced by lysine, an amino acid with similar properties. This amino acid position is conserved. In addition, this alteration is predicted to be deleterious by in silico analysis. Based on the available evidence, the clinical significance of this variant remains unclear.

Color Diagnostics, LLC DBA Color Health
Classification: Uncertain significance for Familial thoracic aortic aneurysm and aortic dissection. Last evaluated: 2024-03-06. Review status: criteria provided, single submitter. Criteria: ACMG Guidelines, 2015. Collection method: clinical testing. Allele origin: germline.
Comment: This missense variant replaces glutamic acid with lysine at codon 1810 of the MYH11 protein. Computational prediction suggests that this variant may have deleterious impact on protein structure and function (internally defined REVEL score threshold >= 0.7, PMID: 27666373). To our knowledge, functional studies have not been reported for this variant. This variant has not been reported in individuals affected with MYH11-related disorders in the literature. This variant has not been identified in the general population by the Genome Aggregation Database (gnomAD). The available evidence is insufficient to determine the role of this variant in disease conclusively. Therefore, this variant is classified as a Variant of Uncertain Significance.

All of Us Research Program, National Institutes of Health
Classification: Uncertain significance for Familial thoracic aortic aneurysm and aortic dissection. Last evaluated: 2023-06-08. Review status: criteria provided, single submitter. Criteria: ACMG Guidelines, 2015. Collection method: clinical testing. Allele origin: germline. Inheritance: Autosomal dominant inheritance. Observed: 1 variant allele, 1 heterozygote.
Comment: This missense variant replaces glutamic acid with lysine at codon 1810 of the MYH11 protein. Computational prediction suggests that this variant may have deleterious impact on protein structure and function (internally defined REVEL score threshold >= 0.7, PMID: 27666373). To our knowledge, functional studies have not been reported for this variant. This variant has not been reported in individuals affected with cardiovascular disorders in the literature. This variant has not been identified in the general population by the Genome Aggregation Database (gnomAD). The available evidence is insufficient to determine the role of this variant in disease conclusively. Therefore, this variant is classified as a Variant of Uncertain Significance.

This study involves interpretation of variants in research participants for the purpose of population health screening. Participant phenotype was not available at the time of variant classification. Additional details can be found in publication PMID: 35346344, PMCID: PMC8962531

NM_002474.3(MYH11):c.5407G>A (p.Glu1803Lys)

Genes: MYH11 (myosin heavy chain 11; minus strand), NDE1 (nudE neurodevelopment protein 1; plus strand). Cytogenetic location: 16p13.11.
Variant type: single nucleotide variant.
Coding change: c.5407G>A on transcript NM_002474.3 (MANE Select); coding-DNA position 5407, G replaced by A.
Protein change: p.Glu1803Lys; replaces glutamic acid 1803 with lysine.
Molecular consequence: missense variant. On other transcripts: intron variant (2).
Genome position (GRCh38, 1-based): chr16:15,717,237, C>T on the plus strand (G>A on the coding strand, the complement: MYH11 is on the minus strand). VCF-style: chr16-15717237-C-T. GRCh37 (hg19) VCF-style: chr16-15811094-C-T.
Other names: c.5407G>A (NM_002474.2); c.5428G>A, p.Glu1810Lys (NM_001040113.2, NM_001040114.2); c.5407G>A, p.Glu1803Lys (NM_022844.3); c.948-6954C>T (NM_001143979.2, NM_017668.3); short protein forms E1803K, E1810K.
Identifiers: ClinVar variation 1332003 (VCV001332003.6), dbSNP rs1314387438, ClinGen allele CA394848961.